The following is an entry in ClinVar:

NM_001376.5(DYNC1H1):c.9242C>T (p.Thr3081Ile)

Genes: DYNC1H1 (dynein cytoplasmic 1 heavy chain 1; plus strand), LOC126862060 (BRD4-independent group 4 enhancer GRCh37_chr14:102493659-102494858; plus strand). Cytogenetic location: 14q32.31.
Variant type: single nucleotide variant.
Coding change: c.9242C>T on transcript NM_001376.5 (MANE Select); coding-DNA position 9242, C replaced by T.
Protein change: p.Thr3081Ile; replaces threonine 3081 with isoleucine.
Molecular consequence: missense variant.
Genome position (GRCh38, 1-based): chr14:102,027,812, C>T. VCF-style: chr14-102027812-C-T. GRCh37 (hg19) VCF-style: chr14-102494149-C-T.
Other names: short protein forms T3081I.
Identifiers: ClinVar variation 453167 (VCV000453167.5), dbSNP rs1555410958, ClinGen allele CA391011630.
Genomic context (GRCh38, chr14:102,027,812, plus strand): 5'-ACCTCCACGTCGTGTTCACCATGAACCCGTCCTCGGAGGGACTCAAGGACCGGGCAGCTA[C>T]ATCACCAGCACTTTTCAACAGGTACGTGGGCCTTTACTTGGCTCTGGGTCAGGAAAGTCG-3'
Protein context (NP_001367.2, residues 3071-3091): SSEGLKDRAA[Thr3081Ile]SPALFNRCVL

ClinVar aggregate classification (germline): Uncertain significance. Review status: criteria provided, multiple submitters, no conflicts (2 of 4 stars). 2 submissions from 2 submitters: Uncertain significance (2). Last evaluated 2023-07-22.

Conditions:
Charcot-Marie-Tooth disease axonal type 2O. Also called: Charcot-Marie-Tooth disease, axonal, type 20; CHARCOT-MARIE-TOOTH NEUROPATHY, AXONAL, TYPE 2O; CHARCOT-MARIE-TOOTH DISEASE, AXONAL, AUTOSOMAL DOMINANT, TYPE 2O; Charcot-Marie-Tooth Neuropathy Type 2O. Identifiers: Orphanet 284232, MedGen C3280220, MONDO:0013644, OMIM 614228.

Submissions (2):

Labcorp Genetics (formerly Invitae), Labcorp
Classification: Uncertain significance for Charcot-Marie-Tooth disease axonal type 2O. Last evaluated: 2023-07-22. Review status: criteria provided, single submitter. Criteria: Invitae Variant Classification Sherloc (09022015). Collection method: clinical testing. Allele origin: germline.
Comment: This variant has not been reported in the literature in individuals affected with DYNC1H1-related conditions. In summary, the available evidence is currently insufficient to determine the role of this variant in disease. Therefore, it has been classified as a Variant of Uncertain Significance. Advanced modeling of protein sequence and biophysical properties (such as structural, functional, and spatial information, amino acid conservation, physicochemical variation, residue mobility, and thermodynamic stability) has been performed at Invitae for this missense variant, however the output from this modeling did not meet the statistical confidence thresholds required to predict the impact of this variant on DYNC1H1 protein function. ClinVar contains an entry for this variant (Variation ID: 453167). This variant is not present in population databases (gnomAD no frequency). This sequence change replaces threonine, which is neutral and polar, with isoleucine, which is neutral and non-polar, at codon 3081 of the DYNC1H1 protein (p.Thr3081Ile).

GeneDx
Classification: Uncertain significance. Last evaluated: 2017-11-02. Review status: criteria provided, single submitter. Criteria: GeneDx Variant Classification (06012015). Collection method: clinical testing. Allele origin: germline. Affected: yes.
Comment: The T3081I variant has not been published as a pathogenic variant, nor has it been reported as a benign variant to our knowledge. The T3081I variant is not observed in large population cohorts (Lek et al., 2016). This variant is a non-conservative amino acid substitution, which is likely to impact secondary protein structure as these residues differ in polarity, charge, size and/or other properties. This substitution occurs at a position that is conserved across species, and in silico analysis predicts this variant is probably damaging to the protein structure/function.